The following is an entry in ClinVar:

NM_020944.3(GBA2):c.1026G>A (p.Thr342=)

Gene: GBA2 (glucosylceramidase beta 2; minus strand). Cytogenetic location: 9p13.3.
Variant type: single nucleotide variant.
Coding change: c.1026G>A on transcript NM_020944.3 (MANE Select); coding-DNA position 1026, G replaced by A.
Protein change: p.Thr342=; no amino-acid change (threonine 342 retained).
Molecular consequence: synonymous variant.
Genome position (GRCh38, 1-based): chr9:35,740,825, C>T on the plus strand (G>A on the coding strand, the complement: GBA2 is on the minus strand). VCF-style: chr9-35740825-C-T. GRCh37 (hg19) VCF-style: chr9-35740822-C-T.
Other names: c.1026G>A, p.Thr342= (NM_001330660.2).
Identifiers: ClinVar variation 2030823 (VCV002030823.5), dbSNP rs148717501, ClinGen allele CA5050559.

ClinVar aggregate classification (germline): Uncertain significance (1 of 4 stars; one submission).

Conditions:
Spastic paraplegia. Identifiers: MedGen C0037772, HP:0001258.

Allele frequency attached by ClinVar (database versions not stated): TOPMed 0.00003.
gnomAD v4.1: 12 of 1,613,866 alleles (0.00074%); highest among the groups gnomAD compares: East Asian, 0.0022%; no homozygotes.

Submissions (2):

Labcorp Genetics (formerly Invitae), Labcorp
Classification: Uncertain significance for Spastic paraplegia. Last evaluated: 2023-06-29. Review status: criteria provided, single submitter. Criteria: Invitae Variant Classification Sherloc (09022015). Collection method: clinical testing. Allele origin: germline.
Comment: This variant has not been reported in the literature in individuals affected with GBA2-related conditions. In summary, the available evidence is currently insufficient to determine the role of this variant in disease. Therefore, it has been classified as a Variant of Uncertain Significance. Variants that disrupt the consensus splice site are a relatively common cause of aberrant splicing (PMID: 17576681, 9536098). Algorithms developed to predict the effect of sequence changes on RNA splicing suggest that this variant is not likely to affect RNA splicing. ClinVar contains an entry for this variant (Variation ID: 2030823). This variant is present in population databases (rs148717501, gnomAD 0.003%). This sequence change affects codon 342 of the GBA2 mRNA. It is a 'silent' change, meaning that it does not change the encoded amino acid sequence of the GBA2 protein. This variant also falls at the last nucleotide of exon 5, which is part of the consensus splice site for this exon.

Dr. Peter K. Rogan Lab, Western University
No classification provided (evidence only). Condition: Adrenocortical carcinoma, hereditary. Review status: no classification provided. Collection method: in vitro. Allele origin: not applicable. Functional consequence: skipped exon, retained intron. Not counted in ClinVar's aggregate classification.

Literature cited by the submitters: PubMed 17576681 (cited by Labcorp Genetics (formerly Invitae), Labcorp); PubMed 9536098 (cited by Labcorp Genetics (formerly Invitae), Labcorp).